The following is an entry in ClinVar:

NM_000540.3(RYR1):c.11603A>G (p.Gln3868Arg)

Gene: RYR1 (ryanodine receptor 1; plus strand). Cytogenetic location: 19q13.2.
Variant type: single nucleotide variant.
Coding change: c.11603A>G on transcript NM_000540.3 (MANE Select); coding-DNA position 11603, A replaced by G.
Protein change: p.Gln3868Arg; replaces glutamine 3868 with arginine.
Molecular consequence: missense variant.
Genome position (GRCh38, 1-based): chr19:38,536,762, A>G. VCF-style: chr19-38536762-A-G. GRCh37 (hg19) VCF-style: chr19-39027402-A-G.
Other names: c.11588A>G, p.Gln3863Arg (NM_001042723.2); short protein forms Q3868R, Q3863R.
Identifiers: ClinVar variation 3157326 (VCV003157326.2), dbSNP rs1008466537, ClinGen allele CA308086752.

ClinVar aggregate classification (germline): Uncertain significance. Review status: criteria provided, multiple submitters, no conflicts (2 of 4 stars). 2 submissions from 2 submitters: Uncertain significance (2). Last evaluated 2024-05-30.

Conditions:
Inborn genetic diseases. Identifiers: MedGen C0950123, MeSH D030342.
Malignant hyperthermia, susceptibility to, 1 (MHS1). Also called: Anesthesia related hyperthermia; Malignant hyperpyrexia; Fulminating hyperpyrexia; Pharmacogenic myopathy; RYR1-Related Malignant Hyperthermia Susceptibility; Malignant hyperthermia suceptibility 1. Identifiers: Orphanet 423, MedGen C2930980, MONDO:0007783, OMIM 145600.

Allele frequency attached by ClinVar (database versions not stated): gnomAD 0.00001; TOPMed 0.00001.
gnomAD v4.1: 3 of 1,613,602 alleles (0.00019%); highest among the groups gnomAD compares: East Asian, 0.0022%; no homozygotes.

Submissions (2):

All of Us Research Program, National Institutes of Health
Classification: Uncertain significance for Malignant hyperthermia, susceptibility to, 1. Last evaluated: 2024-05-30. Review status: criteria provided, single submitter. Criteria: ACMG Guidelines, 2015. Collection method: clinical testing. Allele origin: germline. Inheritance: Autosomal dominant inheritance. Observed: 1 variant allele, 1 heterozygote.
Comment: This missense variant replaces glutamine with arginine at codon 3868 of the RYR1 protein. Computational prediction suggests that this variant may not impact protein structure and function (internally defined REVEL score threshold <= 0.5, PMID: 27666373). To our knowledge, functional studies have not been reported for this variant. This variant has not been reported in individuals affected with malignant hyperthermia in the literature. This variant has not been identified in the general population by the Genome Aggregation Database (gnomAD). The available evidence is insufficient to determine the role of this variant in disease conclusively. Therefore, this variant is classified as a Variant of Uncertain Significance.

This study involves interpretation of variants in research participants for the purpose of population health screening. Participant phenotype was not available at the time of variant classification. Additional details can be found in publication PMID: 35346344, PMCID: PMC8962531

Ambry Genetics
Classification: Uncertain significance for Inborn genetic diseases. Last evaluated: 2023-12-08. Review status: criteria provided, single submitter. Criteria: Ambry Variant Classification Scheme 2023. Collection method: clinical testing. Allele origin: germline.